The following is an entry in ClinVar:

ClinVar aggregate classification (germline): Likely benign (1 of 4 stars; one submission).

gnomAD v4.1: 2,226 of 1,575,584 alleles (0.14%); highest among the groups gnomAD compares: South Asian, 0.5%; 9 homozygotes.

Submission:

CeGaT Center for Human Genetics Tuebingen
Classification: Likely benign. Last evaluated: 2026-05-01. Review status: criteria provided, single submitter. Criteria: CeGaT Center For Human Genetics Tuebingen Variant Classification Criteria Version 2. Collection method: clinical testing. Allele origin: germline. Affected: yes. Observed: 1 variant allele.
Comment: TEX14: PP3, BS1

NM_031272.5(TEX14):c.2703-19A>G

Gene: TEX14 (testis expressed 14, intercellular bridge forming factor; minus strand). Cytogenetic location: 17q22.
Variant type: single nucleotide variant.
Coding change: c.2703-19A>G on transcript NM_031272.5 (MANE Select); 19 bases into the intron before coding-DNA position 2703, A replaced by G.
Molecular consequence: intron variant.
Genome position (GRCh38, 1-based): chr17:58,587,685, T>C on the plus strand (A>G on the coding strand, the complement: TEX14 is on the minus strand). VCF-style: chr17-58587685-T-C. GRCh37 (hg19) VCF-style: chr17-56665046-T-C.
Other names: c.2703-19A>G (NM_198393.4); c.2721-19A>G (NM_001201457.2).
Identifiers: ClinVar variation 4872237 (VCV004872237.2).